The following is an entry in ClinVar:

ClinVar aggregate classification (germline): Uncertain significance (1 of 4 stars; one submission).

gnomAD v4.1: 1 of 1,613,752 alleles (0.000062%); highest among the groups gnomAD compares: Non-Finnish European, 0.000085%; no homozygotes.

Submission:

CeGaT Center for Human Genetics Tuebingen
Classification: Uncertain significance. Last evaluated: 2025-07-01. Review status: criteria provided, single submitter. Criteria: CeGaT Center For Human Genetics Tuebingen Variant Classification Criteria Version 2. Collection method: clinical testing. Allele origin: germline. Affected: yes. Observed: 1 variant allele.
Comment: CSF1R: PM2, BP4

NM_001288705.3(CSF1R):c.2840C>G (p.Ser947Cys)

Gene: CSF1R (colony stimulating factor 1 receptor; minus strand). Cytogenetic location: 5q32.
Variant type: single nucleotide variant.
Coding change: c.2840C>G on transcript NM_001288705.3 (MANE Select); coding-DNA position 2840, C replaced by G.
Protein change: p.Ser947Cys; replaces serine 947 with cysteine.
Molecular consequence: missense variant. On other transcripts: non-coding transcript variant (2).
Genome position (GRCh38, 1-based): chr5:150,054,148, G>C on the plus strand (C>G on the coding strand, the complement: CSF1R is on the minus strand). VCF-style: chr5-150054148-G-C. GRCh37 (hg19) VCF-style: chr5-149433711-G-C.
Other names: c.2840C>G, p.Ser947Cys (NM_001349736.2, NM_001375320.1, NM_005211.4); c.2396C>G, p.Ser799Cys (NM_001375321.1); short protein forms S799C, S947C.
Identifiers: ClinVar variation 4085558 (VCV004085558.8).